The following is an entry in ClinVar:

NM_001278116.2(L1CAM):c.3519C>T (p.Phe1173=)

Gene: L1CAM (L1 cell adhesion molecule; minus strand). Cytogenetic location: Xq28.
Variant type: single nucleotide variant.
Coding change: c.3519C>T on transcript NM_001278116.2 (MANE Select); coding-DNA position 3519, C replaced by T.
Protein change: p.Phe1173=; no amino-acid change (phenylalanine 1173 retained).
Molecular consequence: synonymous variant.
Genome position (GRCh38, 1-based): chrX:153,863,488, G>A on the plus strand (C>T on the coding strand, the complement: L1CAM is on the minus strand). VCF-style: chrX-153863488-G-A. GRCh37 (hg19) VCF-style: chrX-153128943-G-A.
Other names: c.3519C>T, p.Phe1173= (NM_000425.5, NM_024003.3); c.3504C>T, p.Phe1168= (NM_001143963.2).
Identifiers: ClinVar variation 167236 (VCV000167236.21), dbSNP rs142277193, ClinGen allele CA180149.

ClinVar aggregate classification (germline): Benign/Likely benign. Review status: criteria provided, multiple submitters, no conflicts (2 of 4 stars). 5 submissions from 5 submitters: Benign (3); Likely benign (2). Last evaluated 2026-01-25.

Conditions:
Inborn genetic diseases. Identifiers: MedGen C0950123, MeSH D030342.
Spastic paraplegia. Identifiers: MedGen C0037772, HP:0001258.

Allele frequency attached by ClinVar (database versions not stated): gnomAD exomes 0.00035 and 0.00116; ExAC 0.00127; TOPMed 0.00199; 1000 Genomes Project 0.00265; gnomAD 0.00183 and 0.00188; ESP Exome Variant Server 0.00246; 1000 Genomes Project 30x 0.00229.
gnomAD v4.1: 591 of 1,209,582 alleles (0.049%); highest among the groups gnomAD compares: East Asian, 0.58%; no homozygotes.

Submissions (5):

Labcorp Genetics (formerly Invitae), Labcorp
Classification: Benign for Spastic paraplegia. Last evaluated: 2026-01-25. Review status: criteria provided, single submitter. Criteria: Invitae Variant Classification Sherloc (09022015). Collection method: clinical testing. Allele origin: germline.

Athena Diagnostics
Classification: Benign. Last evaluated: 2023-10-17. Review status: criteria provided, single submitter. Criteria: Athena Diagnostics Criteria. Collection method: clinical testing. Allele origin: unknown.

GeneDx
Classification: Likely benign. Last evaluated: 2016-06-09. Review status: criteria provided, single submitter. Criteria: GeneDx Variant Classification (06012015). Collection method: clinical testing. Allele origin: germline. Affected: yes.
Comment: This variant is considered likely benign or benign based on one or more of the following criteria: it is a conservative change, it occurs at a poorly conserved position in the protein, it is predicted to be benign by multiple in silico algorithms, and/or has population frequency not consistent with disease.

Ambry Genetics
Classification: Likely benign for Inborn genetic diseases. Last evaluated: 2016-04-20. Review status: criteria provided, single submitter. Criteria: Ambry Variant Classification Scheme 2023. Collection method: clinical testing. Allele origin: germline.

Eurofins Ntd Llc (ga)
Classification: Benign. Last evaluated: 2014-01-22. Review status: criteria provided, single submitter. Criteria: EGL Classification Definitions 2015. Collection method: clinical testing. Allele origin: germline. Observed: 1 variant allele, 1 hemizygote.